The following is an entry in ClinVar:

ClinVar aggregate classification (germline): Uncertain significance (1 of 4 stars; one submission).

Allele frequency attached by ClinVar (database versions not stated): gnomAD exomes below 0.00001.
gnomAD v4.1: 1 of 1,613,922 alleles (0.000062%); highest among the groups gnomAD compares: Admixed American, 0.0017%; no homozygotes.

Submission:

GeneDx
Classification: Uncertain significance. Last evaluated: 2023-03-03. Review status: criteria provided, single submitter. Criteria: GeneDx Variant Classification Process June 2021. Collection method: clinical testing. Allele origin: germline. Affected: yes.
Comment: Not observed at significant frequency in large population cohorts (gnomAD); In silico analysis supports that this missense variant has a deleterious effect on protein structure/function; Has not been previously published as pathogenic or benign to our knowledge

NM_013296.5(GPSM2):c.622C>T (p.Leu208Phe)

Gene: GPSM2 (G protein signaling modulator 2; plus strand). Cytogenetic location: 1p13.3.
Variant type: single nucleotide variant.
Coding change: c.622C>T on transcript NM_013296.5 (MANE Select); coding-DNA position 622, C replaced by T.
Protein change: p.Leu208Phe; replaces leucine 208 with phenylalanine.
Molecular consequence: missense variant.
Genome position (GRCh38, 1-based): chr1:108,898,706, C>T. VCF-style: chr1-108898706-C-T. GRCh37 (hg19) VCF-style: chr1-109441328-C-T.
Other names: c.622C>T, p.Leu208Phe (NM_001321038.2, NM_001321039.3); short protein forms L208F.
Identifiers: ClinVar variation 2578100 (VCV002578100.1), dbSNP rs1222355797, ClinGen allele CA341459326.